The following is an entry in ClinVar:

ClinVar aggregate classification (germline): Conflicting classifications of pathogenicity. Review status: criteria provided, conflicting classifications (1 of 4 stars). 2 submissions from 2 submitters: Uncertain significance (1); Likely benign (1). Last evaluated 2026-06-05.

Conditions:
Cystic fibrosis (CF). Also called: MUCOVISCIDOSIS. Identifiers: Orphanet 586, MedGen C0010674, MONDO:0009061, OMIM 219700. Disease mechanism: loss of function.

gnomAD v4.1: 15 of 1,613,436 alleles (0.00093%); highest among the groups gnomAD compares: South Asian, 0.014%; no homozygotes.

Submissions (2):

Ambry Genetics
Classification: Likely benign for Cystic fibrosis. Last evaluated: 2026-06-05. Review status: criteria provided, single submitter. Criteria: Ambry Variant Classification Scheme 2023. Collection method: clinical testing. Allele origin: germline.

Mayo Clinic Laboratories, Mayo Clinic
Classification: Uncertain significance. Last evaluated: 2025-10-13. Review status: criteria provided, single submitter. Criteria: ACMG Guidelines, 2015. Collection method: clinical testing. Allele origin: germline. Observed: 1 variant allele.
Comment: PM2_supporting

NM_000492.4(CFTR):c.2240C>T (p.Ala747Val)

Gene: CFTR (CF transmembrane conductance regulator; plus strand). Cytogenetic location: 7q31.2.
Variant type: single nucleotide variant.
Coding change: c.2240C>T on transcript NM_000492.4 (MANE Select); coding-DNA position 2240, C replaced by T.
Protein change: p.Ala747Val; replaces alanine 747 with valine.
Molecular consequence: missense variant.
Genome position (GRCh38, 1-based): chr7:117,592,407, C>T. VCF-style: chr7-117592407-C-T. GRCh37 (hg19) VCF-style: chr7-117232461-C-T.
Other names: p.Ala747Val; short protein forms A747V.
Identifiers: ClinVar variation 4541328 (VCV004541328.2).